The following is an entry in ClinVar:

NM_003839.4(TNFRSF11A):c.428-4A>C

Gene: TNFRSF11A (TNF receptor superfamily member 11a; plus strand). Cytogenetic location: 18q21.33.
Variant type: single nucleotide variant.
Coding change: c.428-4A>C on transcript NM_003839.4 (MANE Select); 4 bases into the intron before coding-DNA position 428, A replaced by C.
Molecular consequence: intron variant.
Genome position (GRCh38, 1-based): chr18:62,358,244, A>C. VCF-style: chr18-62358244-A-C. GRCh37 (hg19) VCF-style: chr18-60025477-A-C.
Other names: c.428-4A>C (NM_001270949.2, NM_001270950.2, NM_001270951.2); c.428-46A>C (NM_001278268.2).
Identifiers: ClinVar variation 4983230 (VCV004983230.1).

ClinVar aggregate classification (germline): Likely benign (1 of 4 stars; one submission).

Conditions:
TNFRSF11A-related disorder. Also called: TNFRSF11A-related condition.

Submission:

PreventionGenetics, part of Exact Sciences
Classification: Likely benign for TNFRSF11A-related condition. Last evaluated: 2025-02-10. Review status: criteria provided, single submitter. Criteria: ACMG Guidelines, 2015. Collection method: clinical testing. Allele origin: germline.
Comment: This variant is classified as likely benign based on ACMG/AMP sequence variant interpretation guidelines (Richards et al. 2015 PMID: 25741868, with internal and published modifications).